The following is an entry in ClinVar:

ClinVar aggregate classification (germline): Uncertain significance (1 of 4 stars; one submission).

Conditions:
Microcephaly, normal intelligence and immunodeficiency (NBS). Also called: Nijmegen breakage syndrome; Microcephaly with normal intelligence immunodeficiency and lymphoreticular malignancies; Nonsyndromal microcephaly autosomal recessive with normal intelligence; Seemanova syndrome 2; Ataxia telangiectasia variant V1; SEEMANOVA SYNDROME II. Identifiers: Orphanet 647, MedGen C0398791, MONDO:0009623, OMIM 251260.

Allele frequency attached by ClinVar (database versions not stated): gnomAD exomes below 0.00001.
gnomAD v4.1: 1 of 1,613,254 alleles (0.000062%); highest among the groups gnomAD compares: South Asian, 0.0011%; no homozygotes.

Submission:

Labcorp Genetics (formerly Invitae), Labcorp
Classification: Uncertain significance for Microcephaly, normal intelligence and immunodeficiency. Last evaluated: 2021-10-12. Review status: criteria provided, single submitter. Criteria: Invitae Variant Classification Sherloc (09022015). Collection method: clinical testing. Allele origin: germline.
Comment: This sequence change replaces aspartic acid with histidine at codon 596 of the NBN protein (p.Asp596His). The aspartic acid residue is moderately conserved and there is a moderate physicochemical difference between aspartic acid and histidine. This variant is not present in population databases (ExAC no frequency). This variant has not been reported in the literature in individuals affected with NBN-related conditions. Algorithms developed to predict the effect of missense changes on protein structure and function are either unavailable or do not agree on the potential impact of this missense change (SIFT: "Deleterious"; PolyPhen-2: "Possibly Damaging"; Align-GVGD: "Class C0"). In summary, the available evidence is currently insufficient to determine the role of this variant in disease. Therefore, it has been classified as a Variant of Uncertain Significance.

NM_002485.5(NBN):c.1786G>C (p.Asp596His)

Gene: NBN (nibrin; minus strand). Cytogenetic location: 8q21.3.
Variant type: single nucleotide variant.
Coding change: c.1786G>C on transcript NM_002485.5 (MANE Select); coding-DNA position 1786, G replaced by C.
Protein change: p.Asp596His; replaces aspartic acid 596 with histidine.
Molecular consequence: missense variant.
Genome position (GRCh38, 1-based): chr8:89,953,303, C>G on the plus strand (G>C on the coding strand, the complement: NBN is on the minus strand). VCF-style: chr8-89953303-C-G. GRCh37 (hg19) VCF-style: chr8-90965531-C-G.
Other names: c.1540G>C, p.Asp514His (NM_001024688.3); short protein forms D514H, D596H.
Identifiers: ClinVar variation 1045406 (VCV001045406.4), dbSNP rs1467034784, ClinGen allele CA371655092.